The following is an entry in ClinVar:

NM_000090.4(COL3A1):c.2438G>T (p.Gly813Val)

Genes: COL3A1 (collagen type III alpha 1 chain; plus strand), LOC126806446 (P300/CBP strongly-dependent group 1 enhancer GRCh37_chr2:189866210-189867409; plus strand). Cytogenetic location: 2q32.2.
Variant type: single nucleotide variant.
Coding change: c.2438G>T on transcript NM_000090.4 (MANE Select); coding-DNA position 2438, G replaced by T.
Protein change: p.Gly813Val; replaces glycine 813 with valine.
Molecular consequence: missense variant.
Genome position (GRCh38, 1-based): chr2:189,002,344, G>T. VCF-style: chr2-189002344-G-T. GRCh37 (hg19) VCF-style: chr2-189867070-G-T.
Other names: short protein forms G813V.
Identifiers: ClinVar variation 2717255 (VCV002717255.3), dbSNP rs2469149468, ClinGen allele CA349842666.

ClinVar aggregate classification (germline): Likely pathogenic (1 of 4 stars; one submission).

Conditions:
Ehlers-Danlos syndrome, type 4 (EDSVASC). Also called: Ehlers-Danlos Syndrome Type IV; Ehlers-Danlos syndrome vascular type; Ehlers Danlos syndrome, ecchymotic type; Ehlers Danlos syndrome, arterial type; Ehlers Danlos syndrome, Sack-Barabas type. Identifiers: Orphanet 286, MedGen C0268338, MONDO:0017314, OMIM 130050.

Submission:

Labcorp Genetics (formerly Invitae), Labcorp
Classification: Likely pathogenic for Ehlers-Danlos syndrome, type 4. Last evaluated: 2023-06-16. Review status: criteria provided, single submitter. Criteria: Invitae Variant Classification Sherloc (09022015). Collection method: clinical testing. Allele origin: germline.
Comment: This variant disrupts the triple helix domain of COL3A1. Glycine residues within the Gly-Xaa-Yaa repeats of the triple helix domain are required for the structure and stability of fibrillar collagens (PMID: 7695699, 8218237, 19344236). In COL3A1, variants that affect these glycine residues are significantly enriched in individuals with disease (PMID: 24922459, 25758994) compared to the general population (ExAC). In summary, the currently available evidence indicates that the variant is pathogenic, but additional data are needed to prove that conclusively. Therefore, this variant has been classified as Likely Pathogenic. Advanced modeling of protein sequence and biophysical properties (such as structural, functional, and spatial information, amino acid conservation, physicochemical variation, residue mobility, and thermodynamic stability) performed at Invitae indicates that this missense variant is expected to disrupt COL3A1 protein function. This variant has not been reported in the literature in individuals affected with COL3A1-related conditions. This variant is not present in population databases (gnomAD no frequency). This sequence change replaces glycine, which is neutral and non-polar, with valine, which is neutral and non-polar, at codon 813 of the COL3A1 protein (p.Gly813Val).

Literature cited by the submitters: PubMed 7695699; PubMed 8218237; PubMed 19344236; PubMed 24922459; PubMed 25758994.